The following is an entry in ClinVar:

ClinVar aggregate classification (germline): Uncertain significance (1 of 4 stars; one submission).

Allele frequency attached by ClinVar (database versions not stated): gnomAD exomes below 0.00001; TOPMed below 0.00001; gnomAD 0.00001; ExAC 0.00003; 1000 Genomes Project 0.00020; 1000 Genomes Project 30x 0.00031.
gnomAD v4.1: 3 of 1,613,248 alleles (0.00019%); highest among the groups gnomAD compares: African/African-American, 0.0027%; no homozygotes.

Submission:

Labcorp Genetics (formerly Invitae), Labcorp
Classification: Uncertain significance. Last evaluated: 2023-06-24. Review status: criteria provided, single submitter. Criteria: Invitae Variant Classification Sherloc (09022015). Collection method: clinical testing. Allele origin: germline.
Comment: This sequence change replaces methionine, which is neutral and non-polar, with threonine, which is neutral and polar, at codon 226 of the CACNA2D4 protein (p.Met226Thr). This variant is present in population databases (rs201011107, gnomAD 0.02%). This variant has not been reported in the literature in individuals affected with CACNA2D4-related conditions. An algorithm developed to predict the effect of missense changes on protein structure and function (PolyPhen-2) suggests that this variant is likely to be disruptive. In summary, the available evidence is currently insufficient to determine the role of this variant in disease. Therefore, it has been classified as a Variant of Uncertain Significance.

NM_172364.5(CACNA2D4):c.677T>C (p.Met226Thr)

Gene: CACNA2D4 (calcium voltage-gated channel auxiliary subunit alpha2delta 4; minus strand). Cytogenetic location: 12p13.33.
Variant type: single nucleotide variant.
Coding change: c.677T>C on transcript NM_172364.5 (MANE Select); coding-DNA position 677, T replaced by C.
Protein change: p.Met226Thr; replaces methionine 226 with threonine.
Molecular consequence: missense variant.
Genome position (GRCh38, 1-based): chr12:1,907,544, A>G on the plus strand (T>C on the coding strand, the complement: CACNA2D4 is on the minus strand). VCF-style: chr12-1907544-A-G. GRCh37 (hg19) VCF-style: chr12-2016710-A-G.
Other names: short protein forms M226T.
Identifiers: ClinVar variation 2826239 (VCV002826239.3), dbSNP rs201011107, ClinGen allele CA6387440.